The following is an entry in ClinVar:

NM_032119.4(ADGRV1):c.8737del (p.Val2913fs)

Gene: ADGRV1 (adhesion G protein-coupled receptor V1; plus strand). Cytogenetic location: 5q14.3.
Variant type: Deletion.
Coding change: c.8737del on transcript NM_032119.4 (MANE Select); coding-DNA position 8737, one base deleted (G; older notation c.8737delG).
Protein change: p.Val2913fs; shifts the reading frame from valine 2913.
Molecular consequence: frameshift variant. On other transcripts: non-coding transcript variant (1).
Genome position (GRCh38, 1-based): chr5:90,708,822, G deleted. VCF-style (leftmost placement, unchanged base first): chr5-90708821-TG-T. GRCh37 (hg19) VCF-style: chr5-90004638-TG-T.
Other names: short protein forms V2913fs.
Identifiers: ClinVar variation 46399 (VCV000046399.4), dbSNP rs397517441, ClinGen allele CA261841.

ClinVar aggregate classification (germline): Pathogenic (1 of 4 stars; one submission).

Conditions:
Rare genetic deafness. Identifiers: Orphanet 96210, MedGen C5680250.

Submission:

Laboratory for Molecular Medicine, Mass General Brigham Personalized Medicine
Classification: Pathogenic for Rare genetic deafness. Last evaluated: 2011-03-14. Review status: criteria provided, single submitter. Criteria: LMM Criteria. Collection method: clinical testing. Allele origin: germline. Observed: 2 variant alleles.
Comment: The Val2913fs variant in GPR98 has not been reported in the literature nor previ ously identified by our laboratory. The Val2913fs variant is predicted to cause a frameshift, which alters the protein's amino acid sequence beginning at codon 2913 and leads to a premature stop codon 4 codons downstream. This alteration is then predicted to lead to a truncated or absent protein. In summary, this varia nt meets our criteria to be classified as pathogenic.